The following is an entry in ClinVar:

NM_001370259.2(MEN1):c.1458G>C (p.Glu486Asp)

Gene: MEN1 (menin 1; minus strand). Cytogenetic location: 11q13.1.
Variant type: single nucleotide variant.
Coding change: c.1458G>C on transcript NM_001370259.2 (MANE Select); coding-DNA position 1458, G replaced by C.
Protein change: p.Glu486Asp; replaces glutamic acid 486 with aspartic acid.
Molecular consequence: missense variant.
Genome position (GRCh38, 1-based): chr11:64,804,709, C>G on the plus strand (G>C on the coding strand, the complement: MEN1 is on the minus strand). VCF-style: chr11-64804709-C-G. GRCh37 (hg19) VCF-style: chr11-64572181-C-G.
Other names: c.1458G>C, p.Glu486Asp (NM_130799.3, NM_001370260.2, NM_001370261.2); c.1473G>C, p.Glu491Asp (NM_130800.3, NM_130801.3, NM_130802.3 and 3 more transcripts); c.1584G>C, p.Glu528Asp (NM_001370251.2); c.1353G>C, p.Glu451Asp (NM_001370262.2, NM_001370263.2); short protein forms E528D, E451D, E486D, E491D.
Identifiers: ClinVar variation 1402532 (VCV001402532.8), dbSNP rs1413990417, ClinGen allele CA381179200.

ClinVar aggregate classification (germline): Uncertain significance (1 of 4 stars; one submission).

Conditions:
Multiple endocrine neoplasia, type 1 (MEN1). Also called: MEN I; WERMER SYNDROME; Endocrine adenomatosis multiple; MEN 1; MEA I. Identifiers: Orphanet 652, MedGen C0025267, MeSH D018761, MONDO:0007540, OMIM 131100.

Submission:

Labcorp Genetics (formerly Invitae), Labcorp
Classification: Uncertain significance for Multiple endocrine neoplasia, type 1. Last evaluated: 2021-06-23. Review status: criteria provided, single submitter. Criteria: Invitae Variant Classification Sherloc (09022015). Collection method: clinical testing. Allele origin: germline.
Comment: In summary, the available evidence is currently insufficient to determine the role of this variant in disease. Therefore, it has been classified as a Variant of Uncertain Significance. Advanced modeling of protein sequence and biophysical properties (such as structural, functional, and spatial information, amino acid conservation, physicochemical variation, residue mobility, and thermodynamic stability) performed at Invitae indicates that this missense variant is expected to disrupt MEN1 protein function. This sequence change replaces glutamic acid with aspartic acid at codon 486 of the MEN1 protein (p.Glu486Asp). The glutamic acid residue is highly conserved and there is a small physicochemical difference between glutamic acid and aspartic acid. This variant has not been reported in the literature in individuals with MEN1-related conditions. This variant is not present in population databases (ExAC no frequency).